The following is an entry in ClinVar:

ClinVar aggregate classification (germline): Uncertain significance (1 of 4 stars; one submission).

Allele frequency attached by ClinVar (database versions not stated): gnomAD exomes below 0.00001.
gnomAD v4.1: 1 of 1,614,124 alleles (0.000062%); no homozygotes.

Submission:

GeneDx
Classification: Uncertain significance. Last evaluated: 2025-03-05. Review status: criteria provided, single submitter. Criteria: GeneDx Variant Classification Process June 2021. Collection method: clinical testing. Allele origin: germline.
Comment: Not observed at significant frequency in large population cohorts (gnomAD); In silico analysis supports that this missense variant has a deleterious effect on protein structure/function; Has not been previously published as pathogenic or benign to our knowledge

NM_001378974.1(FBXW11):c.1043G>A (p.Arg348His)

Gene: FBXW11 (F-box and WD repeat domain containing 11; minus strand). Cytogenetic location: 5q35.1.
Variant type: single nucleotide variant.
Coding change: c.1043G>A on transcript NM_001378974.1 (MANE Select); coding-DNA position 1043, G replaced by A.
Protein change: p.Arg348His; replaces arginine 348 with histidine.
Molecular consequence: missense variant.
Genome position (GRCh38, 1-based): chr5:171,876,463, C>T on the plus strand (G>A on the coding strand, the complement: FBXW11 is on the minus strand). VCF-style: chr5-171876463-C-T. GRCh37 (hg19) VCF-style: chr5-171303467-C-T.
Other names: c.974G>A, p.Arg325His (NM_001378975.1); c.947G>A, p.Arg316His (NM_001378976.1); c.884G>A, p.Arg295His (NM_001378977.1, NM_001378978.1, NM_001378979.1); c.878G>A, p.Arg293His (NM_001378980.1, NM_033645.3); c.980G>A, p.Arg327His (NM_012300.3); c.941G>A, p.Arg314His (NM_033644.3); short protein forms R293H, R295H, R314H, R316H, R325H, R327H, R348H.
Identifiers: ClinVar variation 1699569 (VCV001699569.3), dbSNP rs2113777807, ClinGen allele CA362213809.